The following is an entry in ClinVar:

ClinVar aggregate classification (germline): Benign/Likely benign. Review status: criteria provided, multiple submitters, no conflicts (2 of 4 stars). 2 submissions from 2 submitters: Benign (1); Likely benign (1). Last evaluated 2024-09-24.

Conditions:
Familial melanoma. Also called: Hereditary melanoma; Hereditary cutaneous melanoma. Identifiers: Orphanet 618, MedGen C1512419, MONDO:0018961.
Melanoma, cutaneous malignant, susceptibility to, 3. Also called: Cutaneous malignant melanoma 3. Identifiers: Orphanet 618, MedGen C1836892, MONDO:0012183, OMIM 609048.

Submissions (2):

Myriad Genetics, Inc.
Classification: Benign for Melanoma, cutaneous malignant, susceptibility to, 3. Last evaluated: 2024-09-24. Review status: criteria provided, single submitter. Criteria: Myriad Autosomal Dominant, Autosomal Recessive and X-Linked Classification Criteria (2023). Collection method: clinical testing. Allele origin: unknown.
Comment: This variant is considered benign. This variant is a silent/synonymous amino acid change and it is not expected to impact splicing.

Labcorp Genetics (formerly Invitae), Labcorp
Classification: Likely benign for Familial melanoma. Last evaluated: 2023-09-29. Review status: criteria provided, single submitter. Criteria: Invitae Variant Classification Sherloc (09022015). Collection method: clinical testing. Allele origin: germline.

NM_000075.4(CDK4):c.93T>C (p.Phe31=)

Gene: CDK4 (cyclin dependent kinase 4; minus strand). Cytogenetic location: 12q14.1.
Variant type: single nucleotide variant.
Coding change: c.93T>C on transcript NM_000075.4 (MANE Select); coding-DNA position 93, T replaced by C.
Protein change: p.Phe31=; no amino-acid change (phenylalanine 31 retained).
Molecular consequence: synonymous variant.
Genome position (GRCh38, 1-based): chr12:57,751,625, A>G on the plus strand (T>C on the coding strand, the complement: CDK4 is on the minus strand). VCF-style: chr12-57751625-A-G. GRCh37 (hg19) VCF-style: chr12-58145408-A-G.
Identifiers: ClinVar variation 2723619 (VCV002723619.4), dbSNP rs1595111145, ClinGen allele CA480404901.